The following is an entry in ClinVar:

ClinVar aggregate classification (germline): Pathogenic. Review status: criteria provided, multiple submitters, no conflicts (2 of 4 stars). 2 submissions from 2 submitters: Pathogenic (2). Last evaluated 2025-03-12.

Submissions (2):

Labcorp Genetics (formerly Invitae), Labcorp
Classification: Pathogenic. Last evaluated: 2025-03-12. Review status: criteria provided, single submitter. Criteria: Invitae Variant Classification Sherloc (09022015). Collection method: clinical testing. Allele origin: germline.
Comment: This sequence change affects a donor splice site in intron 5 of the PHEX gene. It is expected to disrupt RNA splicing. Variants that disrupt the donor or acceptor splice site typically lead to a loss of protein function (PMID: 16199547), and loss-of-function variants in PHEX are known to be pathogenic (PMID: 9097956, 9106524, 19219621). This variant is not present in population databases (gnomAD no frequency). Disruption of this splice site has been observed in individuals with hypophosphatemic rickets (PMID: 25031893; internal data). ClinVar contains an entry for this variant (Variation ID: 449505). Algorithms developed to predict the effect of sequence changes on RNA splicing suggest that this variant may disrupt the consensus splice site. For these reasons, this variant has been classified as Pathogenic.

GeneDx
Classification: Pathogenic. Last evaluated: 2022-08-29. Review status: criteria provided, single submitter. Criteria: GeneDx Variant Classification Process June 2021. Collection method: clinical testing. Allele origin: germline. Affected: yes.
Comment: Canonical splice site variant predicted to result in a null allele in a gene for which loss-of-function is a known mechanism of disease; Not observed in large population cohorts (gnomAD); This variant is associated with the following publications: (PMID: 25031893, 30682568)

Literature cited by the submitters: PubMed 16199547 (cited by Labcorp Genetics (formerly Invitae), Labcorp); PubMed 9097956 (cited by Labcorp Genetics (formerly Invitae), Labcorp); PubMed 9106524 (cited by Labcorp Genetics (formerly Invitae), Labcorp); PubMed 19219621 (cited by Labcorp Genetics (formerly Invitae), Labcorp); PubMed 25031893 (cited by Labcorp Genetics (formerly Invitae), Labcorp).

NM_000444.6(PHEX):c.663+1G>A

Gene: PHEX (phosphate regulating endopeptidase X-linked; plus strand). Cytogenetic location: Xp22.11.
Variant type: single nucleotide variant.
Coding change: c.663+1G>A on transcript NM_000444.6 (MANE Select); the canonical splice donor site of the intron after coding-DNA position 663, G replaced by A.
Molecular consequence: splice donor variant.
Genome position (GRCh38, 1-based): chrX:22,077,703, G>A. VCF-style: chrX-22077703-G-A. GRCh37 (hg19) VCF-style: chrX-22095821-G-A.
Other names: c.663+1G>A (NM_001282754.2).
Identifiers: ClinVar variation 449505 (VCV000449505.12), dbSNP rs1556020845, ClinGen allele CA412571717.